The following is an entry in ClinVar:

NM_001256317.3(TMPRSS3):c.1019C>G (p.Thr340Arg)

Gene: TMPRSS3 (transmembrane serine protease 3; minus strand). Cytogenetic location: 21q22.3.
Variant type: single nucleotide variant.
Coding change: c.1019C>G on transcript NM_001256317.3 (MANE Select); coding-DNA position 1019, C replaced by G.
Protein change: p.Thr340Arg; replaces threonine 340 with arginine.
Molecular consequence: missense variant.
Genome position (GRCh38, 1-based): chr21:42,380,146, G>C on the plus strand (C>G on the coding strand, the complement: TMPRSS3 is on the minus strand). VCF-style: chr21-42380146-G-C. GRCh37 (hg19) VCF-style: chr21-43800255-G-C.
Other names: c.1019C>G, p.Thr340Arg (NM_024022.4); c.638C>G, p.Thr213Arg (NM_032404.3); short protein forms T213R, T340R.
Identifiers: ClinVar variation 2736993 (VCV002736993.3), dbSNP rs200002841, ClinGen allele CA410370785.

ClinVar aggregate classification (germline): Likely pathogenic (1 of 4 stars; one submission).

Submission:

Labcorp Genetics (formerly Invitae), Labcorp
Classification: Likely pathogenic. Last evaluated: 2023-10-06. Review status: criteria provided, single submitter. Criteria: Invitae Variant Classification Sherloc (09022015). Collection method: clinical testing. Allele origin: germline.
Comment: This sequence change replaces threonine, which is neutral and polar, with arginine, which is basic and polar, at codon 340 of the TMPRSS3 protein (p.Thr340Arg). This variant is not present in population databases (gnomAD no frequency). This missense change has been observed in individual(s) with deafness (PMID: 24657061). In at least one individual the data is consistent with being in trans (on the opposite chromosome) from a pathogenic variant. It has also been observed to segregate with disease in related individuals. Advanced modeling of protein sequence and biophysical properties (such as structural, functional, and spatial information, amino acid conservation, physicochemical variation, residue mobility, and thermodynamic stability) has been performed at Invitae for this missense variant, however the output from this modeling did not meet the statistical confidence thresholds required to predict the impact of this variant on TMPRSS3 protein function. Algorithms developed to predict the effect of sequence changes on RNA splicing suggest that this variant may disrupt the consensus splice site. In summary, the currently available evidence indicates that the variant is pathogenic, but additional data are needed to prove that conclusively. Therefore, this variant has been classified as Likely Pathogenic.

Literature cited by the submitters: PubMed 24657061.